The following is an entry in ClinVar:

ClinVar aggregate classification (germline): Uncertain significance (1 of 4 stars; one submission).

Submission:

Labcorp Genetics (formerly Invitae), Labcorp
Classification: Uncertain significance. Last evaluated: 2024-10-16. Review status: criteria provided, single submitter. Criteria: Invitae Variant Classification Sherloc (09022015). Collection method: clinical testing. Allele origin: germline.
Comment: This sequence change replaces lysine, which is basic and polar, with arginine, which is basic and polar, at codon 173 of the PDHX protein (p.Lys173Arg). This variant is not present in population databases (gnomAD no frequency). This variant has not been reported in the literature in individuals affected with PDHX-related conditions. ClinVar contains an entry for this variant (Variation ID: 2076472). Invitae Evidence Modeling of protein sequence and biophysical properties (such as structural, functional, and spatial information, amino acid conservation, physicochemical variation, residue mobility, and thermodynamic stability) indicates that this missense variant is not expected to disrupt PDHX protein function with a negative predictive value of 80%. In summary, the available evidence is currently insufficient to determine the role of this variant in disease. Therefore, it has been classified as a Variant of Uncertain Significance.

NM_003477.3(PDHX):c.518A>G (p.Lys173Arg)

Gene: PDHX (pyruvate dehydrogenase complex component X; plus strand). Cytogenetic location: 11p13.
Variant type: single nucleotide variant.
Coding change: c.518A>G on transcript NM_003477.3 (MANE Select); coding-DNA position 518, A replaced by G.
Protein change: p.Lys173Arg; replaces lysine 173 with arginine.
Molecular consequence: missense variant. On other transcripts: intron variant (1).
Genome position (GRCh38, 1-based): chr11:34,957,559, A>G. VCF-style: chr11-34957559-A-G. GRCh37 (hg19) VCF-style: chr11-34979106-A-G.
Other names: c.338A>G, p.Lys113Arg (NM_001135024.2); c.342+9953A>G (NM_001166158.2); short protein forms K173R, K113R.
Identifiers: ClinVar variation 2076472 (VCV002076472.4), dbSNP rs2494703472, ClinGen allele CA380118700.